The following is an entry in ClinVar:

ClinVar aggregate classification (germline): Uncertain significance (1 of 4 stars; one submission).

Conditions:
Hereditary spastic paraplegia 49 (HSAN9). Also called: NEUROPATHY, HEREDITARY SENSORY AND AUTONOMIC, TYPE IX, WITH DEVELOPMENTAL DELAY; Spastic paraplegia 49, autosomal recessive; TECPR2-Related Hereditary Sensory and Autonomic Neuropathy with Intellectual Disability. Identifiers: Orphanet 320385, MedGen C5190860, MONDO:0014016, OMIM 615031.

Allele frequency attached by ClinVar (database versions not stated): ExAC 0.00001; gnomAD 0.00001 and 0.00002; gnomAD exomes 0.00001 and 0.00002; TOPMed 0.00002; 1000 Genomes Project 30x 0.00016; 1000 Genomes Project 0.00020.
gnomAD v4.1: 39 of 1,614,150 alleles (0.0024%); highest among the groups gnomAD compares: East Asian, 0.0089%; no homozygotes.

Submission:

Labcorp Genetics (formerly Invitae), Labcorp
Classification: Uncertain significance for Hereditary spastic paraplegia 49. Last evaluated: 2021-08-27. Review status: criteria provided, single submitter. Criteria: Invitae Variant Classification Sherloc (09022015). Collection method: clinical testing. Allele origin: germline.
Comment: This sequence change replaces valine with isoleucine at codon 1058 of the TECPR2 protein (p.Val1058Ile). The valine residue is highly conserved and there is a small physicochemical difference between valine and isoleucine. The frequency data for this variant in the population databases is considered unreliable, as metrics indicate poor data quality at this position in the ExAC database. This variant has not been reported in the literature in individuals affected with TECPR2-related conditions. Algorithms developed to predict the effect of missense changes on protein structure and function are either unavailable or do not agree on the potential impact of this missense change (SIFT: "Tolerated"; PolyPhen-2: "Probably Damaging"; Align-GVGD: "Class C0"). In summary, the available evidence is currently insufficient to determine the role of this variant in disease. Therefore, it has been classified as a Variant of Uncertain Significance.

NM_014844.5(TECPR2):c.3172G>A (p.Val1058Ile)

Gene: TECPR2 (tectonin beta-propeller repeat containing 2; plus strand). Cytogenetic location: 14q32.31.
Variant type: single nucleotide variant.
Coding change: c.3172G>A on transcript NM_014844.5 (MANE Select); coding-DNA position 3172, G replaced by A.
Protein change: p.Val1058Ile; replaces valine 1058 with isoleucine.
Molecular consequence: missense variant.
Genome position (GRCh38, 1-based): chr14:102,449,725, G>A. VCF-style: chr14-102449725-G-A. GRCh37 (hg19) VCF-style: chr14-102916062-G-A.
Other names: c.3172G>A, p.Val1058Ile (NM_001172631.3); short protein forms V1058I.
Identifiers: ClinVar variation 1420291 (VCV001420291.5), dbSNP rs149704865, ClinGen allele CA7358154.
Genomic context (GRCh38, chr14:102,449,725, plus strand): 5'-AGCTTATTTCAGACGATAATCCATGCCACTCACTCGGTGGCCACAGCAGCCCAAGCCCCC[G>A]TAGAAAAGGTGGCAGATAAGCTGCGCATGGCGTTTTGGTCCCAGCAGCTTCAGTGCCAGC-3'
Protein context (NP_055659.2, residues 1048-1068): HSVATAAQAP[Val1058Ile]EKVADKLRMA